The following is an entry in ClinVar:

ClinVar aggregate classification (germline): Uncertain significance. Review status: criteria provided, multiple submitters, no conflicts (2 of 4 stars). 2 submissions from 2 submitters: Uncertain significance (2). Last evaluated 2023-10-30.

Conditions:
Hereditary cancer-predisposing syndrome. Also called: Hereditary neoplastic syndrome; Tumor predisposition; Neoplastic Syndromes, Hereditary; Hereditary Cancer Syndrome. Identifiers: Orphanet 140162, MedGen C0027672, MeSH D009386, MONDO:0015356.

Submissions (2):

Ambry Genetics
Classification: Uncertain significance for Hereditary cancer-predisposing syndrome. Last evaluated: 2023-10-30. Review status: criteria provided, single submitter. Criteria: Ambry Variant Classification Scheme 2023. Collection method: clinical testing. Allele origin: germline.
Comment: The p.E1949K variant (also known as c.5845G>A), located in coding exon 15 of the APC gene, results from a G to A substitution at nucleotide position 5845. The glutamic acid at codon 1949 is replaced by lysine, an amino acid with similar properties. This amino acid position is highly conserved in available vertebrate species. In addition, in silico predictors for this gene do not accurately predict pathogenicity. Since supporting evidence is limited at this time, the clinical significance of this alteration remains unclear.

GeneDx
Classification: Uncertain significance. Last evaluated: 2015-07-07. Review status: criteria provided, single submitter. Criteria: GeneDx Variant Classification (06012015). Collection method: clinical testing. Allele origin: germline. Affected: yes.
Comment: This variant is denoted APC c.5845G>A at the cDNA level, p.Glu1949Lys (E1949K) at the protein level, and results in the change of a Glutamic Acid to a Lysine (GAA>AAA). This variant has not, to our knowledge, been published in the literature as pathogenic or benign. APC Glu1949Lys was not observed in approximately 6,500 individuals of European and African American ancestry in the NHLBI Exome Sequencing Project, indicating it is not a common benign variant in these populations. Since Glutamic Acid and Lysine differ in polarity, charge, size or other properties, this is considered a non-conservative amino acid substitution. APC Glu1949Lys occurs at a position that is conserved across species and is located within the repeat Beta-catenin down-regulating domain and the SAMP repeats/axin binding domain (Azzopardi 2008). In silico analyses predict that this variant is probably damaging to protein structure and function. Based on currently available information, it is unclear whether APC Glu1949Lys is pathogenic or benign. We consider it to be a variant of uncertain significance.

NM_000038.6(APC):c.5845G>A (p.Glu1949Lys)

Gene: APC (APC regulator of Wnt signaling pathway; plus strand). Cytogenetic location: 5q22.2.
Variant type: single nucleotide variant.
Coding change: c.5845G>A on transcript NM_000038.6 (MANE Select); coding-DNA position 5845, G replaced by A.
Protein change: p.Glu1949Lys; replaces glutamic acid 1949 with lysine.
Molecular consequence: missense variant.
Genome position (GRCh38, 1-based): chr5:112,841,439, G>A. VCF-style: chr5-112841439-G-A. GRCh37 (hg19) VCF-style: chr5-112177136-G-A.
Other names: c.5845G>A, p.Glu1949Lys (NM_001127510.3, NM_001354895.2); c.5791G>A, p.Glu1931Lys (NM_001127511.3); c.5899G>A, p.Glu1967Lys (NM_001354896.2); c.5875G>A, p.Glu1959Lys (NM_001354897.2); c.5770G>A, p.Glu1924Lys (NM_001354898.2); c.5761G>A, p.Glu1921Lys (NM_001354899.2); c.5722G>A, p.Glu1908Lys (NM_001354900.2); c.5668G>A, p.Glu1890Lys (NM_001354901.2); and 5 more; short protein forms E1931K, E1949K, E1858K, E1967K, E1921K, E1789K, E1908K, E1666K.
Identifiers: ClinVar variation 419360 (VCV000419360.4), dbSNP rs1064793815, ClinGen allele CA16034114.